The following is an entry in ClinVar:

NM_001261826.3(AP3D1):c.2798A>T (p.Lys933Met)

Gene: AP3D1 (adaptor related protein complex 3 subunit delta 1; minus strand). Cytogenetic location: 19p13.3.
Variant type: single nucleotide variant.
Coding change: c.2798A>T on transcript NM_001261826.3 (MANE Select); coding-DNA position 2798, A replaced by T.
Protein change: p.Lys933Met; replaces lysine 933 with methionine.
Molecular consequence: missense variant.
Genome position (GRCh38, 1-based): chr19:2,111,818, T>A on the plus strand (A>T on the coding strand, the complement: AP3D1 is on the minus strand). VCF-style: chr19-2111818-T-A. GRCh37 (hg19) VCF-style: chr19-2111817-T-A.
Other names: c.2762A>T, p.Lys921Met (NM_001374799.1); c.2612A>T, p.Lys871Met (NM_003938.8); short protein forms K933M, K871M, K921M.
Identifiers: ClinVar variation 1444267 (VCV001444267.8), dbSNP rs556612715, ClinGen allele CA403204579.

ClinVar aggregate classification (germline): Uncertain significance (1 of 4 stars; one submission).

Submission:

Labcorp Genetics (formerly Invitae), Labcorp
Classification: Uncertain significance. Last evaluated: 2021-05-27. Review status: criteria provided, single submitter. Criteria: Invitae Variant Classification Sherloc (09022015). Collection method: clinical testing. Allele origin: germline.
Comment: This variant has not been reported in the literature in individuals with AP3D1-related conditions. This variant is not present in population databases (ExAC no frequency). This sequence change replaces lysine with methionine at codon 933 of the AP3D1 protein (p.Lys933Met). The lysine residue is weakly conserved and there is a moderate physicochemical difference between lysine and methionine. Algorithms developed to predict the effect of missense changes on protein structure and function (SIFT, PolyPhen-2, Align-GVGD) all suggest that this variant is likely to be tolerated, but these predictions have not been confirmed by published functional studies and their clinical significance is uncertain. In summary, the available evidence is currently insufficient to determine the role of this variant in disease. Therefore, it has been classified as a Variant of Uncertain Significance.